The following is an entry in ClinVar:

NM_032444.4(SLX4):c.580A>G (p.Thr194Ala)

Gene: SLX4 (SLX4 structure-specific endonuclease subunit; minus strand). Cytogenetic location: 16p13.3.
Variant type: single nucleotide variant.
Coding change: c.580A>G on transcript NM_032444.4 (MANE Select); coding-DNA position 580, A replaced by G.
Protein change: p.Thr194Ala; replaces threonine 194 with alanine.
Molecular consequence: missense variant.
Genome position (GRCh38, 1-based): chr16:3,606,654, T>C on the plus strand (A>G on the coding strand, the complement: SLX4 is on the minus strand). VCF-style: chr16-3606654-T-C. GRCh37 (hg19) VCF-style: chr16-3656655-T-C.
Other names: short protein forms T194A.
Identifiers: ClinVar variation 2095855 (VCV002095855.4), dbSNP rs2151138030, ClinGen allele CA394546814.
Genomic context (GRCh38, chr16:3,606,654, plus strand): 5'-GCATTCGCTGTAGGACCAATTGTGCTGTGCGGGGTTTGGAGGGACTTGGCACTGCTGTTG[T>C]CAAACAGGAAGGAGGAGGCTGGGAGTCGCTGTTGGGCACATTCTCTGGCAAGGAGGAAAA-3'
Protein context (NP_115820.2, residues 184-204): SDSQPPPSCL[Thr194Ala]TAVPSPSKPR

ClinVar aggregate classification (germline): Uncertain significance (1 of 4 stars; one submission).

Conditions:
Fanconi anemia (FA). Also called: Fanconi's anemia. Identifiers: Orphanet 84, MedGen C0015625, MeSH D005199, MONDO:0019391.

Submission:

Labcorp Genetics (formerly Invitae), Labcorp
Classification: Uncertain significance for Fanconi anemia. Last evaluated: 2023-06-15. Review status: criteria provided, single submitter. Criteria: Invitae Variant Classification Sherloc (09022015). Collection method: clinical testing. Allele origin: germline.
Comment: In summary, the available evidence is currently insufficient to determine the role of this variant in disease. Therefore, it has been classified as a Variant of Uncertain Significance. Algorithms developed to predict the effect of missense changes on protein structure and function output the following: SIFT: "Not Available"; PolyPhen-2: "Possibly Damaging"; Align-GVGD: "Not Available". The alanine amino acid residue is found in multiple mammalian species, which suggests that this missense change does not adversely affect protein function. ClinVar contains an entry for this variant (Variation ID: 2095855). This variant has not been reported in the literature in individuals affected with SLX4-related conditions. This variant is not present in population databases (gnomAD no frequency). This sequence change replaces threonine, which is neutral and polar, with alanine, which is neutral and non-polar, at codon 194 of the SLX4 protein (p.Thr194Ala).